The following is an entry in ClinVar:

NM_017649.5(CNNM2):c.415G>T (p.Ala139Ser)

Genes: CNNM2 (cyclin and CBS domain divalent metal cation transport mediator 2; plus strand), LOC130004628 (ATAC-STARR-seq lymphoblastoid silent region 2775; plus strand). Cytogenetic location: 10q24.32.
Variant type: single nucleotide variant.
Coding change: c.415G>T on transcript NM_017649.5 (MANE Select); coding-DNA position 415, G replaced by T.
Protein change: p.Ala139Ser; replaces alanine 139 with serine.
Molecular consequence: missense variant.
Genome position (GRCh38, 1-based): chr10:102,918,895, G>T. VCF-style: chr10-102918895-G-T. GRCh37 (hg19) VCF-style: chr10-104678652-G-T.
Other names: c.415G>T, p.Ala139Ser (NM_199076.3, NM_199077.3); short protein forms A139S.
Identifiers: ClinVar variation 3063788 (VCV003063788.1), dbSNP rs1370325920, ClinGen allele CA377955420.

ClinVar aggregate classification (germline): Uncertain significance (1 of 4 stars; one submission).

Submission:

Women's Health and Genetics/Laboratory Corporation of America, LabCorp
Classification: Uncertain significance. Last evaluated: 2024-01-05. Review status: criteria provided, single submitter. Criteria: LabCorp Variant Classification Summary - May 2015. Collection method: clinical testing. Allele origin: germline.
Comment: Variant summary: CNNM2 c.415G>T (p.Ala139Ser) results in a conservative amino acid change in the encoded protein sequence. Five of five in-silico tools predict a benign effect of the variant on protein function. The variant was absent in 239284 control chromosomes (gnomAD). The available data on variant occurrences in the general population are insufficient to allow any conclusion about variant significance. To our knowledge, no occurrence of c.415G>T in individuals affected with CNNM2-Related Disorders and no experimental evidence demonstrating its impact on protein function have been reported. No submitters have cited clinical-significance assessments for this variant to ClinVar. Based on the evidence outlined above, the variant was classified as uncertain significance.